The following is an entry in ClinVar:

NM_001136193.2(FASTKD2):c.478_481del (p.Ser160fs)

Gene: FASTKD2 (FAST kinase domains 2; plus strand). Cytogenetic location: 2q33.3.
Variant type: Deletion.
Coding change: c.478_481del on transcript NM_001136193.2 (MANE Select); coding-DNA positions 478 to 481, 4 bases deleted (TCTG; older notation c.478_481delTCTG).
Protein change: p.Ser160fs; shifts the reading frame from serine 160.
Molecular consequence: frameshift variant.
Genome position (GRCh38, 1-based): chr2:206,767,171-206,767,174, TCTG deleted; deleting any 4 consecutive bases within chr2:206,767,168-206,767,174 gives the same sequence; the c. name uses the placement nearest the transcript's 3' end. VCF-style (leftmost placement, unchanged base first): chr2-206767167-ACTGT-A. GRCh37 (hg19) VCF-style: chr2-207631891-ACTGT-A.
Other names: c.478_481del (NM_014929.3); c.478_481delTCTG (NM_014929.3); c.478_481del, p.Ser160fs (NM_001136194.2, NM_014929.4); short protein forms S160fs.
Identifiers: ClinVar variation 419835 (VCV000419835.4), dbSNP rs1064794140, ClinGen allele CA16617418.

ClinVar aggregate classification (germline): Likely pathogenic. Review status: criteria provided, multiple submitters, no conflicts (2 of 4 stars). 2 submissions from 2 submitters: Likely pathogenic (2). Last evaluated 2025-04-28.

Conditions:
Combined oxidative phosphorylation deficiency 44. Also called: FASTKD2-Related Combined Oxidative Phosphorylation Deficiency. Identifiers: MedGen C5394293, MONDO:0030020, OMIM 618855.

Submissions (2):

GeneDx
Classification: Likely pathogenic. Last evaluated: 2025-04-28. Review status: criteria provided, single submitter. Criteria: GeneDx Variant Classification Process June 2021. Collection method: clinical testing. Allele origin: germline. Affected: yes.
Comment: Frameshift variant predicted to result in protein truncation or nonsense mediated decay in a gene for which loss of function is a known mechanism of disease; Not observed at significant frequency in large population cohorts (gnomAD); Has not been previously published as pathogenic or benign to our knowledge

Fulgent Genetics
Classification: Likely pathogenic for Combined oxidative phosphorylation deficiency 44. Last evaluated: 2024-06-12. Review status: criteria provided, single submitter. Criteria: ACMG Guidelines, 2015. Collection method: clinical testing. Allele origin: germline.